The following is an entry in ClinVar:

NM_005138.3(SCO2):c.173G>A (p.Arg58Gln)

Genes: NCAPH2 (non-SMC condensin II complex subunit H2; plus strand), SCO2 (synthesis of cytochrome C oxidase 2; minus strand). Cytogenetic location: 22q13.33.
Variant type: single nucleotide variant.
Coding change: c.173G>A on transcript NM_005138.3 (MANE Select); coding-DNA position 173, G replaced by A.
Protein change: p.Arg58Gln; replaces arginine 58 with glutamine.
Molecular consequence: missense variant. On other transcripts: 3 prime UTR variant (2).
Genome position (GRCh38, 1-based): chr22:50,524,239, C>T on the plus strand (G>A on the coding strand, the complement: SCO2 is on the minus strand). VCF-style: chr22-50524239-C-T. GRCh37 (hg19) VCF-style: chr22-50962668-C-T.
Other names: c.*864C>T (NM_001185011.2, NM_152299.4); c.173G>A, p.Arg58Gln (NM_001169109.2, NM_001169110.1, NM_001169111.2); short protein forms R58Q.
Identifiers: ClinVar variation 900447 (VCV000900447.12), dbSNP rs375383752, ClinGen allele CA10321280.

ClinVar aggregate classification (germline): Uncertain significance. Review status: criteria provided, multiple submitters, no conflicts (2 of 4 stars). 5 submissions from 4 submitters: Uncertain significance (5). Last evaluated 2025-12-16.

Conditions:
Mitochondrial complex IV deficiency, nuclear type 1 (MC4DN1). Also called: Mitochondrial complex IV deficiency; Complex 4 mitochondrial respiratory chain deficiency; Deficiency of mitochondrial respiratory chain complex4; Complex IV deficiency; COX DEFICIENCY. Identifiers: MedGen C5435656, MONDO:0700250, OMIM 220110. Disease mechanism: loss of function.
Inborn genetic diseases. Identifiers: MedGen C0950123, MeSH D030342.
Cardioencephalomyopathy, fatal infantile, due to cytochrome c oxidase deficiency 1 (MC4DN2). Also called: CYTOCHROME c OXIDASE DEFICIENCY, FATAL INFANTILE, WITH CARDIOENCEPHALOMYOPATHY; MITOCHONDRIAL COMPLEX IV DEFICIENCY, NUCLEAR TYPE 2. Identifiers: Orphanet 1561, MedGen C5399977, MONDO:0011451, OMIM 604377.

Allele frequency attached by ClinVar (database versions not stated): gnomAD exomes 0.00002; gnomAD 0.00009 and 0.00007; ESP Exome Variant Server 0.00008; ExAC 0.00001; TOPMed 0.00006.
gnomAD v4.1: 141 of 1,606,680 alleles (0.0088%); highest among the groups gnomAD compares: Non-Finnish European, 0.011%; no homozygotes.

Submissions (5):

GeneDx
Classification: Uncertain significance. Last evaluated: 2025-12-16. Review status: criteria provided, single submitter. Criteria: GeneDx Variant Classification Process June 2021. Collection method: clinical testing. Allele origin: germline.
Comment: In silico analysis suggests that this missense variant does not alter protein structure/function; Has not been previously published as pathogenic or benign to our knowledge

Ambry Genetics
Classification: Uncertain significance for Inborn genetic diseases. Last evaluated: 2025-03-07. Review status: criteria provided, single submitter. Criteria: Ambry Variant Classification Scheme 2023. Collection method: clinical testing. Allele origin: germline.

Labcorp Genetics (formerly Invitae), Labcorp
Classification: Uncertain significance. Last evaluated: 2022-07-23. Review status: criteria provided, single submitter. Criteria: Invitae Variant Classification Sherloc (09022015). Collection method: clinical testing. Allele origin: germline.
Comment: This sequence change replaces arginine, which is basic and polar, with glutamine, which is neutral and polar, at codon 58 of the SCO2 protein (p.Arg58Gln). This variant is present in population databases (rs375383752, gnomAD 0.005%). This variant has not been reported in the literature in individuals affected with SCO2-related conditions. ClinVar contains an entry for this variant (Variation ID: 900447). Algorithms developed to predict the effect of missense changes on protein structure and function output the following: SIFT: "Tolerated"; PolyPhen-2: "Benign"; Align-GVGD: "Class C0". The glutamine amino acid residue is found in multiple mammalian species, which suggests that this missense change does not adversely affect protein function. In summary, the available evidence is currently insufficient to determine the role of this variant in disease. Therefore, it has been classified as a Variant of Uncertain Significance.

Illumina Laboratory Services, Illumina
Classification: Uncertain significance for Mitochondrial complex IV deficiency, nuclear type 1. Last evaluated: 2018-01-12. Review status: criteria provided, single submitter. Criteria: ICSL Variant Classification Criteria 13 December 2019. Collection method: clinical testing. Allele origin: germline.

Illumina Laboratory Services, Illumina
Classification: Uncertain significance for Cardioencephalomyopathy, fatal infantile, due to cytochrome c oxidase deficiency 1. Last evaluated: 2018-01-12. Review status: criteria provided, single submitter. Criteria: ICSL Variant Classification Criteria 13 December 2019. Collection method: clinical testing. Allele origin: germline.